The following is an entry in ClinVar:

NM_000142.5(FGFR3):c.971T>A (p.Leu324His)

Gene: FGFR3 (fibroblast growth factor receptor 3; plus strand). Cytogenetic location: 4p16.3.
Variant type: single nucleotide variant.
Coding change: c.971T>A on transcript NM_000142.5 (MANE Select); coding-DNA position 971, T replaced by A.
Protein change: p.Leu324His; replaces leucine 324 with histidine.
Molecular consequence: missense variant. On other transcripts: non-coding transcript variant (1), intron variant (2).
Genome position (GRCh38, 1-based): chr4:1,803,732, T>A. VCF-style: chr4-1803732-T-A. GRCh37 (hg19) VCF-style: chr4-1805459-T-A.
Other names: c.971T>A, p.Leu324His (NM_001354809.2, NM_001354810.2); c.1082-598T>A (NM_001163213.2); c.931-1092T>A (NM_022965.4); short protein forms L324H.
Identifiers: ClinVar variation 4857838 (VCV004857838.1).

ClinVar aggregate classification (germline): Likely pathogenic (1 of 4 stars; one submission).

Conditions:
Hypochondroplasia (HCH). Identifiers: Orphanet 429, MedGen C0410529, MONDO:0007793, OMIM 146000. Disease mechanism: gain of function.

Submission:

Genomenon, Inc
Classification: Likely pathogenic for Hypochondroplasia. Last evaluated: 2026-06-23. Review status: criteria provided, single submitter. Criteria: Genomenon Sequence Variant Interpretation Standards - Updated. Collection method: curation. Allele origin: germline. Affected: yes.
Comment: FGFR3 p.Leu324His (c.971T>A) is a missense variant that changes the amino acid at codon 324 from Leucine to Histidine. This variant has been observed in at least one proband with hypochondroplasia (PMID:27507911). The variant was found to segregate with disease in at least one affected family (PMID:27507911). The presence of pathogenic/likely pathogenic missense variant(s) at the same amino acid position indicates that this residue is likely important for protein function. It is absent or not present at a significant frequency in gnomAD. In silico models predict that this variant is possibly or probably damaging. In conclusion, we classify FGFR3 p.Leu324His (c.971T>A) as a likely pathogenic variant.

Literature cited by the submitters: PubMed 27507911; PubMed 30681580; PubMed 29736252.